The following is an entry in ClinVar:

ClinVar aggregate classification (germline): Pathogenic (1 of 4 stars; one submission).

Conditions:
Primary ciliary dyskinesia 28. Also called: CILIARY DYSKINESIA, PRIMARY, 28, WITH OR WITHOUT SITUS INVERSUS. Identifiers: Orphanet 244, MedGen C3809706, MONDO:0014216, OMIM 615505.

Submission:

Labcorp Genetics (formerly Invitae), Labcorp
Classification: Pathogenic for Primary ciliary dyskinesia 28. Last evaluated: 2025-07-14. Review status: criteria provided, single submitter. Criteria: Invitae Variant Classification Sherloc (09022015). Collection method: clinical testing. Allele origin: germline.
Comment: This sequence change creates a premature translational stop signal (p.Gly501Thrfs*20) in the SPAG1 gene. It is expected to result in an absent or disrupted protein product. Loss-of-function variants in SPAG1 are known to be pathogenic (PMID: 24055112). This variant is present in population databases (rs770075987, gnomAD 0.0009%). This variant has not been reported in the literature in individuals affected with SPAG1-related conditions. For these reasons, this variant has been classified as Pathogenic.

Literature cited by the submitters: PubMed 24055112.

NM_003114.5(SPAG1):c.1497_1500del (p.Gly501fs)

Gene: SPAG1 (sperm associated antigen 1; plus strand). Cytogenetic location: 8q22.2.
Variant type: Deletion.
Coding change: c.1497_1500del on transcript NM_003114.5 (MANE Select); coding-DNA positions 1497 to 1500, 4 bases deleted (AGAA; older notation c.1497_1500delAGAA).
Protein change: p.Gly501fs; shifts the reading frame from glycine 501.
Molecular consequence: frameshift variant.
Genome position (GRCh38, 1-based): chr8:100,213,880-100,213,883, AGAA deleted; deleting any 4 consecutive bases within chr8:100,213,878-100,213,883 gives the same sequence; the c. name uses the placement nearest the transcript's 3' end. VCF-style (leftmost placement, unchanged base first): chr8-100213877-AAAAG-A. GRCh37 (hg19) VCF-style: chr8-101226105-AAAAG-A.
Other names: c.1497_1500del, p.Gly501fs (NM_001374321.1, NM_172218.3); short protein forms G501fs.
Identifiers: ClinVar variation 4692284 (VCV004692284.1).